The following is an entry in ClinVar:

NM_000548.5(TSC2):c.3874del (p.Ser1292fs)

Gene: TSC2 (TSC complex subunit 2; plus strand). Cytogenetic location: 16p13.3.
Variant type: Deletion.
Coding change: c.3874del on transcript NM_000548.5 (MANE Select); coding-DNA position 3874, one base deleted (T; older notation c.3874delT).
Protein change: p.Ser1292fs; shifts the reading frame from serine 1292.
Molecular consequence: frameshift variant. On other transcripts: intron variant (6).
Genome position (GRCh38, 1-based): chr16:2,082,495, T deleted; the last of 3 consecutive T bases (chr16:2,082,493-2,082,495); deleting any one gives the same sequence. VCF-style (leftmost placement, unchanged base first): chr16-2082492-GT-G. GRCh37 (hg19) VCF-style: chr16-2132493-GT-G.
Other names: c.3142del, p.Ser1048fs (NM_001318831.2); c.3742del, p.Ser1248fs (NM_001370404.1); c.3745del, p.Ser1249fs (NM_001370405.1, NM_021055.3); c.3814+697del (NM_001114382.3); c.3685+697del (NM_001363528.2); c.3682+697del (NM_001077183.3); c.3574+697del (NM_001318827.2); c.3538+697del (NM_001318829.2); and 1 more; short protein forms S1048fs, S1248fs, S1249fs, S1292fs.
Identifiers: ClinVar variation 1311848 (VCV001311848.2), dbSNP rs2151493492, ClinGen allele CA2573054163.

ClinVar aggregate classification (germline): Uncertain significance (1 of 4 stars; one submission).

Submission:

GeneDx
Classification: Uncertain significance. Last evaluated: 2020-01-09. Review status: criteria provided, single submitter. Criteria: GeneDx Variant Classification Process June 2021. Collection method: clinical testing. Allele origin: germline. Affected: yes.
Comment: Not observed in large population cohorts (Lek et al., 2016); Has not been previously published as pathogenic or benign to our knowledge; Although this variant is predicted to cause loss of normal protein function, current evidence indicates that variants in exon 32 are unlikely to cause tuberous sclerosis (Ekong 2016). Specifically, loss-of-function variants in this exon have been identified in the published literature and at GeneDx in individuals who do not have features of tuberous sclerosis complex (Ekong 2016). RNA expression analysis demonstrates an abundance of transcripts lacking this exon in multiple normal tissue types from healthy adults, and in vitro studies indicate that this exon is not essential for normal functional activity of the TSC complex (Ekong 2016)